The following is an entry in ClinVar:

ClinVar aggregate classification (germline): Uncertain significance (1 of 4 stars; one submission).

Conditions:
Neuropathy, hereditary sensory and autonomic, type 2A (HSAN2A). Also called: ACROOSTEOLYSIS, GIACCAI TYPE; ACROOSTEOLYSIS, NEUROGENIC; WNK1-Related HSAN2 (HSAN2A); MORVAN DISEASE; NEUROPATHY, CONGENITAL SENSORY; NEUROPATHY, HEREDITARY SENSORY RADICULAR, AUTOSOMAL RECESSIVE. Identifiers: Orphanet 970, MedGen C2752089, MONDO:0024309, OMIM 201300.
Generalized epilepsy with febrile seizures plus, type 7 (GEFSP7). Also called: GEFS+, TYPE 7. Identifiers: Orphanet 36387, MedGen C2751778, MONDO:0013470, OMIM 613863.

Submission:

Labcorp Genetics (formerly Invitae), Labcorp
Classification: Uncertain significance for Neuropathy, hereditary sensory and autonomic, type 2A; Generalized epilepsy with febrile seizures plus, type 7. Last evaluated: 2024-02-15. Review status: criteria provided, single submitter. Criteria: Invitae Variant Classification Sherloc (09022015). Collection method: clinical testing. Allele origin: germline.
Comment: This sequence change replaces phenylalanine, which is neutral and non-polar, with leucine, which is neutral and non-polar, at codon 1506 of the SCN9A protein (p.Phe1506Leu). This variant is not present in population databases (gnomAD no frequency). This variant has not been reported in the literature in individuals affected with SCN9A-related conditions. Advanced modeling of protein sequence and biophysical properties (such as structural, functional, and spatial information, amino acid conservation, physicochemical variation, residue mobility, and thermodynamic stability) has been performed at Invitae for this missense variant, however the output from this modeling did not meet the statistical confidence thresholds required to predict the impact of this variant on SCN9A protein function. In summary, the available evidence is currently insufficient to determine the role of this variant in disease. Therefore, it has been classified as a Variant of Uncertain Significance.

NM_001365536.1(SCN9A):c.4549T>C (p.Phe1517Leu)

Genes: SCN1A-AS1 (SCN1A and SCN9A antisense RNA 1; plus strand), SCN9A (sodium voltage-gated channel alpha subunit 9; minus strand). Cytogenetic location: 2q24.3.
Variant type: single nucleotide variant.
Coding change: c.4549T>C on transcript NM_001365536.1 (MANE Select); coding-DNA position 4549, T replaced by C.
Protein change: p.Phe1517Leu; replaces phenylalanine 1517 with leucine.
Molecular consequence: missense variant.
Genome position (GRCh38, 1-based): chr2:166,204,180, A>G on the plus strand (T>C on the coding strand, the complement: SCN9A is on the minus strand). VCF-style: chr2-166204180-A-G. GRCh37 (hg19) VCF-style: chr2-167060690-A-G.
Other names: c.4516T>C, p.Phe1506Leu (NM_002977.4); short protein forms F1506L, F1517L.
Identifiers: ClinVar variation 3754674 (VCV003754674.2).